The following is an entry in ClinVar:

ClinVar aggregate classification (germline): Uncertain significance (1 of 4 stars; one submission).

Submission:

Labcorp Genetics (formerly Invitae), Labcorp
Classification: Uncertain significance. Last evaluated: 2021-12-08. Review status: criteria provided, single submitter. Criteria: Invitae Variant Classification Sherloc (09022015). Collection method: clinical testing. Allele origin: germline.
Comment: In summary, the available evidence is currently insufficient to determine the role of this variant in disease. Therefore, it has been classified as a Variant of Uncertain Significance. This variant has not been reported in the literature in individuals affected with NTRK2-related conditions. This variant results in a copy number gain of the genomic region encompassing exon(s) 4-14 of the NTRK2 gene. This region includes the initiator codon of the gene. This copy number gain extends beyond the assayed region for this gene and therefore may encompass additional genes. As the precise location of this event is unknown, it may be in tandem or it may be located elsewhere in the genome.

NC_000009.11:g.(?_87285149)_(87367020_?)dup

Gene: NTRK2 (neurotrophic receptor tyrosine kinase 2; plus strand). Cytogenetic location: 9q21.33.
Variant type: Duplication.
Identifiers: ClinVar variation 1440510 (VCV001440510.4).